The following is an entry in ClinVar:

NM_001378452.1(ITPR1):c.2447C>T (p.Ala816Val)

Gene: ITPR1 (inositol 1,4,5-trisphosphate receptor type 1; plus strand). Cytogenetic location: 3p26.1.
Variant type: single nucleotide variant.
Coding change: c.2447C>T on transcript NM_001378452.1 (MANE Select); coding-DNA position 2447, C replaced by T.
Protein change: p.Ala816Val; replaces alanine 816 with valine.
Molecular consequence: missense variant.
Genome position (GRCh38, 1-based): chr3:4,673,378, C>T. VCF-style: chr3-4673378-C-T. GRCh37 (hg19) VCF-style: chr3-4715062-C-T.
Other names: c.2447C>T, p.Ala816Val (NM_001099952.4); c.2402C>T, p.Ala801Val (NM_001168272.2, NM_002222.7); short protein forms A801V, A816V.
Identifiers: ClinVar variation 2092715 (VCV002092715.4), dbSNP rs2470756341, ClinGen allele CA351647293.

ClinVar aggregate classification (germline): Uncertain significance (1 of 4 stars; one submission).

Submission:

Labcorp Genetics (formerly Invitae), Labcorp
Classification: Uncertain significance. Last evaluated: 2023-04-24. Review status: criteria provided, single submitter. Criteria: Invitae Variant Classification Sherloc (09022015). Collection method: clinical testing. Allele origin: germline.
Comment: This sequence change replaces alanine, which is neutral and non-polar, with valine, which is neutral and non-polar, at codon 801 of the ITPR1 protein (p.Ala801Val). This variant is not present in population databases (gnomAD no frequency). Advanced modeling of protein sequence and biophysical properties (such as structural, functional, and spatial information, amino acid conservation, physicochemical variation, residue mobility, and thermodynamic stability) performed at Invitae indicates that this missense variant is not expected to disrupt ITPR1 protein function. ClinVar contains an entry for this variant (Variation ID: 2092715). This variant has not been reported in the literature in individuals affected with ITPR1-related conditions. In summary, the available evidence is currently insufficient to determine the role of this variant in disease. Therefore, it has been classified as a Variant of Uncertain Significance.